The following is an entry in ClinVar:

NM_015693.4(INTU):c.1001C>T (p.Ser334Phe)

Gene: INTU (inturned planar cell polarity protein; plus strand). Cytogenetic location: 4q28.1.
Variant type: single nucleotide variant.
Coding change: c.1001C>T on transcript NM_015693.4 (MANE Select); coding-DNA position 1001, C replaced by T.
Protein change: p.Ser334Phe; replaces serine 334 with phenylalanine.
Molecular consequence: missense variant.
Genome position (GRCh38, 1-based): chr4:127,669,064, C>T. VCF-style: chr4-127669064-C-T. GRCh37 (hg19) VCF-style: chr4-128590219-C-T.
Other names: short protein forms S334F.
Identifiers: ClinVar variation 2190610 (VCV002190610.4), dbSNP rs192164921, ClinGen allele CA3074938.

ClinVar aggregate classification (germline): Uncertain significance (1 of 4 stars; one submission).

Allele frequency attached by ClinVar (database versions not stated): gnomAD 0.00001; gnomAD exomes 0.00001; TOPMed 0.00002; ExAC 0.00005.
gnomAD v4.1: 19 of 1,529,348 alleles (0.0012%); highest among the groups gnomAD compares: Admixed American, 0.035%; no homozygotes.

Submission:

Labcorp Genetics (formerly Invitae), Labcorp
Classification: Uncertain significance. Last evaluated: 2025-04-13. Review status: criteria provided, single submitter. Criteria: Invitae Variant Classification Sherloc (09022015). Collection method: clinical testing. Allele origin: germline.
Comment: This sequence change replaces serine, which is neutral and polar, with phenylalanine, which is neutral and non-polar, at codon 334 of the INTU protein (p.Ser334Phe). This variant is present in population databases (rs192164921, gnomAD 0.06%), and has an allele count higher than expected for a pathogenic variant. This variant has not been reported in the literature in individuals affected with INTU-related conditions. ClinVar contains an entry for this variant (Variation ID: 2190610). Invitae Evidence Modeling of protein sequence and biophysical properties (such as structural, functional, and spatial information, amino acid conservation, physicochemical variation, residue mobility, and thermodynamic stability) indicates that this missense variant is expected to disrupt INTU protein function with a positive predictive value of 80%. In summary, the available evidence is currently insufficient to determine the role of this variant in disease. Therefore, it has been classified as a Variant of Uncertain Significance.